The following is an entry in ClinVar:

ClinVar aggregate classification (germline): Pathogenic (1 of 4 stars; one submission).

Conditions:
SRD5A3-congenital disorder of glycosylation. Also called: COLOBOMA, OCULAR, WITH ICHTHYOSIS, BRAIN MALFORMATIONS, AND ENDOCRINE ABNORMALITIES; SRD5A3-CDG; CDG Iq; Ocular colobomas, ichthyosis, brain malformations and endocrine abnormalities; Congenital disorder of glycosylation type 1Q. Identifiers: Orphanet 324737, MedGen C4317224, MONDO:0012885, OMIM 612379.

Allele frequency attached by ClinVar (database versions not stated): gnomAD exomes below 0.00001.
gnomAD v4.1: 1 of 1,613,910 alleles (0.000062%); highest among the groups gnomAD compares: Admixed American, 0.0017%; no homozygotes.

Submission:

Labcorp Genetics (formerly Invitae), Labcorp
Classification: Pathogenic for SRD5A3-congenital disorder of glycosylation. Last evaluated: 2021-03-19. Review status: criteria provided, single submitter. Criteria: Invitae Variant Classification Sherloc (09022015). Collection method: clinical testing. Allele origin: germline.
Comment: For these reasons, this variant has been classified as Pathogenic. This variant has been observed in individual(s) with SRD5A3-congenital disorder of glycosylation (CDG-Iq) (Invitae). This variant is not present in population databases (ExAC no frequency). This sequence change creates a premature translational stop signal (p.Cys93*) in the SRD5A3 gene. It is expected to result in an absent or disrupted protein product. Loss-of-function variants in SRD5A3 are known to be pathogenic (PMID: 20637498, 20700148, 31638560).

Literature cited by the submitters: PubMed 20637498; PubMed 20700148; PubMed 31638560.

NM_024592.5(SRD5A3):c.279C>A (p.Cys93Ter)

Gene: SRD5A3 (steroid 5 alpha-reductase 3; plus strand). Cytogenetic location: 4q12.
Variant type: single nucleotide variant.
Coding change: c.279C>A on transcript NM_024592.5 (MANE Select); coding-DNA position 279, C replaced by A.
Protein change: p.Cys93Ter; replaces cysteine 93 with a stop codon.
Molecular consequence: nonsense.
Genome position (GRCh38, 1-based): chr4:55,359,403, C>A. VCF-style: chr4-55359403-C-A. GRCh37 (hg19) VCF-style: chr4-56225570-C-A.
Other names: short protein forms C93*.
Identifiers: ClinVar variation 1362615 (VCV001362615.8), dbSNP rs1482361634, ClinGen allele CA356957074.